The following is an entry in ClinVar:

NM_001134831.2(AHI1):c.2374-9T>A

Gene: AHI1 (Abelson helper integration site 1; minus strand). Cytogenetic location: 6q23.3.
Variant type: single nucleotide variant.
Coding change: c.2374-9T>A on transcript NM_001134831.2 (MANE Select); 9 bases into the intron before coding-DNA position 2374, T replaced by A.
Molecular consequence: intron variant.
Genome position (GRCh38, 1-based): chr6:135,430,009, A>T on the plus strand (T>A on the coding strand, the complement: AHI1 is on the minus strand). VCF-style: chr6-135430009-A-T. GRCh37 (hg19) VCF-style: chr6-135751147-A-T.
Other names: c.2374-9T>A (NM_001134830.2, NM_001350503.2, NM_017651.5 and 3 more transcripts).
Identifiers: ClinVar variation 1135332 (VCV001135332.10), dbSNP rs1434974004, ClinGen allele CA570557619.
Genomic context (GRCh38, chr6:135,430,009, plus strand): 5'-GAATCTCCAAATAACTTATTGGAATTCCCTTAAACTCAGTTTCTTTAATTTCCTAAAATG[A>T]TTAAAAAAAATACTACTACTGAAAAGTTTGTCTAATGTTAAACTTTTTTGGGGGTACAAA-3'

ClinVar aggregate classification (germline): Likely benign. Review status: criteria provided, single submitter (1 of 4 stars). 2 submissions from 2 submitters: Likely benign (1). 1 of the submissions does not count toward it. Last evaluated 2024-02-14.

Conditions:
AHI1-related disorder. Also called: AHI1-related condition.
Joubert syndrome. Also called: CEREBELLOPARENCHYMAL DISORDER IV; JOUBERT-BOLTSHAUSER SYNDROME; Familial aplasia of the vermis. Identifiers: Orphanet 475, MedGen C5979921, MONDO:0018772.

Allele frequency attached by ClinVar (database versions not stated): gnomAD exomes below 0.00001; gnomAD 0.00001.
gnomAD v4.1: 6 of 1,426,470 alleles (0.00042%); highest among the groups gnomAD compares: Middle Eastern, 0.019%; no homozygotes.

Submissions (2):

Labcorp Genetics (formerly Invitae), Labcorp
Classification: Likely benign for Joubert syndrome. Last evaluated: 2024-02-14. Review status: criteria provided, single submitter. Criteria: Invitae Variant Classification Sherloc (09022015). Collection method: clinical testing. Allele origin: germline.

PreventionGenetics, part of Exact Sciences
Classification: Likely benign for AHI1-related condition. Last evaluated: 2019-05-08. Review status: no assertion criteria provided. Collection method: clinical testing. Allele origin: germline. Not counted in ClinVar's aggregate classification.
Comment: This variant is classified as likely benign based on ACMG/AMP sequence variant interpretation guidelines (Richards et al. 2015 PMID: 25741868, with internal and published modifications).